The following is an entry in ClinVar:

NM_000228.3(LAMB3):c.1696del (p.Gln566fs)

Gene: LAMB3 (laminin subunit beta 3; minus strand). Cytogenetic location: 1q32.2.
Variant type: Deletion.
Coding change: c.1696del on transcript NM_000228.3 (MANE Select); coding-DNA position 1696, one base deleted (C; older notation c.1696delC).
Protein change: p.Gln566fs; shifts the reading frame from glutamine 566.
Molecular consequence: frameshift variant.
Genome position (GRCh38, 1-based): chr1:209,625,928, G deleted on the plus strand (C on the coding strand, the reverse complement: LAMB3 is on the minus strand); the first of 2 consecutive G bases (chr1:209,625,928-209,625,929); deleting either gives the same sequence. VCF-style (leftmost placement, unchanged base first): chr1-209625927-TG-T. GRCh37 (hg19) VCF-style: chr1-209799272-TG-T.
Other names: c.1696del, p.Gln566fs (NM_001017402.2, NM_001127641.1); short protein forms Q566fs.
Identifiers: ClinVar variation 5013799 (VCV005013799.1).
Genomic context (GRCh38, chr1:209,625,927, plus strand): 5'-TGGAAGCAAGGGTGGCAGGCCACGCACACCGGGTAGCGATTACAGTAGCCTCGCTGGCAC[TG>T]GTCACAGCGGGGCCCGGTCAAGCCAGGGCGGCAGAGGCAGCGGCCTGATGCCTTGTCGCA-3'

ClinVar aggregate classification (germline): Pathogenic (1 of 4 stars; one submission).

Conditions:
Junctional epidermolysis bullosa. Identifiers: Orphanet 305, MedGen C0079301, MONDO:0017612.

Submission:

Myriad Genetics, Inc.
Classification: Pathogenic for Junctional epidermolysis bullosa. Last evaluated: 2024-11-23. Review status: criteria provided, single submitter. Criteria: Myriad Autosomal Dominant, Autosomal Recessive and X-Linked Classification Criteria (2023). Collection method: clinical testing. Allele origin: unknown.
Comment: NM_000228.2(LAMB3):c.1696delC(Q566Sfs*60) is expected to be pathogenic in the context of junctional epidermolysis bullosa, LAMB3-related. This variant is predicted to lead to an abnormal or absent protein product due to the creation of a premature termination codon in LAMB3, a gene where loss-of-function variants are known to be pathogenic. Please note: this variant was assessed in the context of healthy population screening.